The following is an entry in ClinVar:

ClinVar aggregate classification (germline): Pathogenic (1 of 4 stars; one submission).

Conditions:
Multiple endocrine neoplasia, type 1 (MEN1). Also called: MEN I; WERMER SYNDROME; Endocrine adenomatosis multiple; MEN 1; MEA I. Identifiers: Orphanet 652, MedGen C0025267, MeSH D018761, MONDO:0007540, OMIM 131100.

Submission:

Labcorp Genetics (formerly Invitae), Labcorp
Classification: Pathogenic for Multiple endocrine neoplasia, type 1. Last evaluated: 2025-01-15. Review status: criteria provided, single submitter. Criteria: Invitae Variant Classification Sherloc (09022015). Collection method: clinical testing. Allele origin: germline.
Comment: This variant, c.970_984del, results in the deletion of 5 amino acid(s) of the MEN1 protein (p.Leu324_His328del), but otherwise preserves the integrity of the reading frame. This variant is not present in population databases (gnomAD no frequency). This variant has been observed in individual(s) with clinical features of multiple endocrine neoplasia type 1 (internal data). In at least one individual the variant was observed to be de novo. ClinVar contains an entry for this variant (Variation ID: 1009876). Experimental studies and prediction algorithms are not available or were not evaluated, and the functional significance of this variant is currently unknown. This variant disrupts a region of the MEN1 protein in which other variant(s) (p.His328Pro) have been determined to be pathogenic (internal data). This suggests that this is a clinically significant region of the protein, and that variants that disrupt it are likely to be disease-causing. For these reasons, this variant has been classified as Pathogenic.

NM_001370259.2(MEN1):c.970_984del (p.Leu324_His328del)

Gene: MEN1 (menin 1; minus strand). Cytogenetic location: 11q13.1.
Variant type: Deletion.
Coding change: c.970_984del on transcript NM_001370259.2 (MANE Select); coding-DNA positions 970 to 984, 15 bases deleted (CTGGCTGGCTACCAC).
Protein change: p.Leu324_His328del.
Molecular consequence: inframe deletion.
Genome position (GRCh38, 1-based): chr11:64,806,297-64,806,311, GTGGTAGCCAGCCAG deleted on the plus strand (CTGGCTGGCTACCAC on the coding strand, the reverse complement: MEN1 is on the minus strand); deleting any 15 consecutive bases within chr11:64,806,297-64,806,313 gives the same sequence; the c. name uses the placement nearest the transcript's 3' end. VCF-style (leftmost placement, unchanged base first): chr11-64806296-AGTGGTAGCCAGCCAG-A. GRCh37 (hg19) VCF-style: chr11-64573768-AGTGGTAGCCAGCCAG-A.
Other names: c.985_999del, p.Leu329_His333del (NM_000244.4, NM_130800.3, NM_130801.3 and 3 more transcripts); c.970_984del, p.Leu324_His328del (NM_001370251.2, NM_001370260.2, NM_001370261.2 and 1 more transcripts); c.865_879del, p.Leu289_His293del (NM_001370262.2, NM_001370263.2).
Identifiers: ClinVar variation 1009876 (VCV001009876.9), dbSNP rs1941723156, ClinGen allele CA1978889155.